The following is an entry in ClinVar:

NM_000330.4(RS1):c.539C>T (p.Ser180Leu)

Genes: CDKL5 (cyclin dependent kinase like 5; plus strand), RS1 (retinoschisin 1; minus strand). Cytogenetic location: Xp22.13.
Variant type: single nucleotide variant.
Coding change: c.539C>T on transcript NM_000330.4 (MANE Select); coding-DNA position 539, C replaced by T.
Protein change: p.Ser180Leu; replaces serine 180 with leucine.
Molecular consequence: missense variant. On other transcripts: intron variant (2).
Genome position (GRCh38, 1-based): chrX:18,642,140, G>A on the plus strand (C>T on the coding strand, the complement: RS1 is on the minus strand). VCF-style: chrX-18642140-G-A. GRCh37 (hg19) VCF-style: chrX-18660260-G-A.
Other names: c.2714-3867G>A (NM_003159.3, NM_001037343.2); short protein forms S180L.
Identifiers: ClinVar variation 1418305 (VCV001418305.7), dbSNP rs760857618, ClinGen allele CA10360610.

ClinVar aggregate classification (germline): Uncertain significance. Review status: criteria provided, multiple submitters, no conflicts (2 of 4 stars). 2 submissions from 2 submitters: Uncertain significance (2). Last evaluated 2025-08-25.

Conditions:
Inborn genetic diseases. Identifiers: MedGen C0950123, MeSH D030342.

Allele frequency attached by ClinVar (database versions not stated): gnomAD exomes 0.00001 and 0.00002; ExAC 0.00001; gnomAD 0.00001.
gnomAD v4.1: 15 of 1,209,886 alleles (0.0012%); highest among the groups gnomAD compares: South Asian, 0.011%; no homozygotes.

Submissions (2):

Ambry Genetics
Classification: Uncertain significance for Inborn genetic diseases. Last evaluated: 2025-08-25. Review status: criteria provided, single submitter. Criteria: Ambry Variant Classification Scheme 2023. Collection method: clinical testing. Allele origin: germline.

Labcorp Genetics (formerly Invitae), Labcorp
Classification: Uncertain significance. Last evaluated: 2025-02-27. Review status: criteria provided, single submitter. Criteria: Invitae Variant Classification Sherloc (09022015). Collection method: clinical testing. Allele origin: germline.
Comment: This sequence change replaces serine, which is neutral and polar, with leucine, which is neutral and non-polar, at codon 180 of the RS1 protein (p.Ser180Leu). This variant is present in population databases (rs760857618, gnomAD 0.01%). This variant has not been reported in the literature in individuals affected with RS1-related conditions. ClinVar contains an entry for this variant (Variation ID: 1418305). Invitae Evidence Modeling of protein sequence and biophysical properties (such as structural, functional, and spatial information, amino acid conservation, physicochemical variation, residue mobility, and thermodynamic stability) indicates that this missense variant is expected to disrupt RS1 protein function with a positive predictive value of 95%. In summary, the available evidence is currently insufficient to determine the role of this variant in disease. Therefore, it has been classified as a Variant of Uncertain Significance.